The following is an entry in ClinVar:

ClinVar aggregate classification (germline): Benign/Likely benign. Review status: criteria provided, multiple submitters, no conflicts (2 of 4 stars). 3 submissions from 3 submitters: Benign (1); Likely benign (2). Last evaluated 2025-05-27.

Conditions:
Hereditary cancer-predisposing syndrome. Also called: Hereditary Cancer Syndrome; Hereditary neoplastic syndrome; Neoplastic Syndromes, Hereditary; Tumor predisposition. Identifiers: Orphanet 140162, MedGen C0027672, MeSH D009386, MONDO:0015356.
Fanconi anemia complementation group O. Also called: RAD51C-Related Fanconi Anemia. Identifiers: Orphanet 84, MedGen C3150653, MONDO:0013248, OMIM 613390.
Breast-ovarian cancer, familial, susceptibility to, 3. Also called: RAD51C-Related Breast/Ovarian Cancer. Identifiers: Orphanet 145, MedGen C3150659, MONDO:0013253, OMIM 613399.

gnomAD v4.1: 1 of 1,614,064 alleles (0.000062%); no homozygotes.

Submissions (3):

Labcorp Genetics (formerly Invitae), Labcorp
Classification: Likely benign for Fanconi anemia complementation group O. Last evaluated: 2025-05-27. Review status: criteria provided, single submitter. Criteria: Invitae Variant Classification Sherloc (09022015). Collection method: clinical testing. Allele origin: germline.

Myriad Genetics, Inc.
Classification: Benign for Breast-ovarian cancer, familial, susceptibility to, 3. Last evaluated: 2025-02-14. Review status: criteria provided, single submitter. Criteria: Myriad Autosomal Dominant, Autosomal Recessive and X-Linked Classification Criteria (2023). Collection method: clinical testing. Allele origin: unknown.
Comment: This variant is considered benign. This variant is a silent/synonymous amino acid change and it is not expected to impact splicing.

Ambry Genetics
Classification: Likely benign for Hereditary cancer-predisposing syndrome. Last evaluated: 2021-05-14. Review status: criteria provided, single submitter. Criteria: Ambry Variant Classification Scheme 2023. Collection method: clinical testing. Allele origin: germline.

NM_058216.3(RAD51C):c.306C>T (p.Thr102=)

Gene: RAD51C (RAD51 paralog C; plus strand). Cytogenetic location: 17q22.
Variant type: single nucleotide variant.
Coding change: c.306C>T on transcript NM_058216.3 (MANE Select); coding-DNA position 306, C replaced by T.
Protein change: p.Thr102=; no amino-acid change (threonine 102 retained).
Molecular consequence: synonymous variant. On other transcripts: non-coding transcript variant (2).
Genome position (GRCh38, 1-based): chr17:58,695,091, C>T. VCF-style: chr17-58695091-C-T. GRCh37 (hg19) VCF-style: chr17-56772452-C-T.
Other names: c.306C>T, p.Thr102= (NM_002876.4).
Identifiers: ClinVar variation 1153378 (VCV001153378.12), dbSNP rs1567786291, ClinGen allele CA501074670.